The following is an entry in ClinVar:

NM_020693.4(DSCAML1):c.2019C>T (p.Asn673=)

Gene: DSCAML1 (DS cell adhesion molecule like 1; minus strand). Cytogenetic location: 11q23.3.
Variant type: single nucleotide variant.
Coding change: c.2019C>T on transcript NM_020693.4 (MANE Select); coding-DNA position 2019, C replaced by T.
Protein change: p.Asn673=; no amino-acid change (asparagine 673 retained).
Molecular consequence: synonymous variant.
Genome position (GRCh38, 1-based): chr11:117,505,497, G>A on the plus strand (C>T on the coding strand, the complement: DSCAML1 is on the minus strand). VCF-style: chr11-117505497-G-A. GRCh37 (hg19) VCF-style: chr11-117376212-G-A.
Other names: c.2019C>T, p.Asn673= (NM_001367904.1).
Identifiers: ClinVar variation 710357 (VCV000710357.12), dbSNP rs116946216, ClinGen allele CA6297127.

ClinVar aggregate classification (germline): Benign. Review status: criteria provided, multiple submitters, no conflicts (2 of 4 stars). 3 submissions from 3 submitters: Benign (2). 1 of the submissions does not count toward it. Last evaluated 2026-02-01.

Conditions:
DSCAML1-related disorder. Also called: DSCAML1-related condition.

Allele frequency attached by ClinVar (database versions not stated): ExAC 0.00294; gnomAD 0.00294 and 0.00282; TOPMed 0.00297; ESP Exome Variant Server 0.00300; gnomAD exomes 0.00390 and 0.00293; 1000 Genomes Project 0.00240; 1000 Genomes Project 30x 0.00281.
gnomAD v4.1: 6,189 of 1,612,830 alleles (0.38%); highest among the groups gnomAD compares: Middle Eastern, 0.46%; 22 homozygotes.

Submissions (3):

Labcorp Genetics (formerly Invitae), Labcorp
Classification: Benign. Last evaluated: 2026-02-01. Review status: criteria provided, single submitter. Criteria: Invitae Variant Classification Sherloc (09022015). Collection method: clinical testing. Allele origin: germline.

Breakthrough Genomics
Classification: Benign. Review status: criteria provided, single submitter. Criteria: ACMG Guidelines, 2015. Collection method: not provided. Allele origin: germline. Inheritance: Unknown mechanism. Affected: yes.

PreventionGenetics, part of Exact Sciences
Classification: Likely benign for DSCAML1-related condition. Last evaluated: 2019-06-12. Review status: no assertion criteria provided. Collection method: clinical testing. Allele origin: germline. Not counted in ClinVar's aggregate classification.
Comment: This variant is classified as likely benign based on ACMG/AMP sequence variant interpretation guidelines (Richards et al. 2015 PMID: 25741868, with internal and published modifications).